The following is an entry in ClinVar:

ClinVar aggregate classification (germline): Uncertain significance. Review status: criteria provided, multiple submitters, no conflicts (2 of 4 stars). 2 submissions from 2 submitters: Uncertain significance (2). Last evaluated 2023-12-17.

Conditions:
Isolated focal cortical dysplasia type II (FCORD2). Also called: CORTICAL DYSPLASIA OF TAYLOR; Focal cortical dysplasia type II. Identifiers: Orphanet 268994, MedGen C1846385, MONDO:0011818, OMIM 607341, HP:0032051.
Tuberous sclerosis 2 (TSC2). Identifiers: Orphanet 805, MedGen C1860707, MONDO:0013199, OMIM 613254.

Submissions (2):

Baylor Genetics
Classification: Uncertain significance for Isolated focal cortical dysplasia type II. Last evaluated: 2023-12-17. Review status: criteria provided, single submitter. Criteria: ACMG Guidelines, 2015. Collection method: clinical testing. Allele origin: unknown.

Labcorp Genetics (formerly Invitae), Labcorp
Classification: Uncertain significance for Tuberous sclerosis 2. Last evaluated: 2018-10-13. Review status: criteria provided, single submitter. Criteria: Invitae Variant Classification Sherloc (09022015). Collection method: clinical testing. Allele origin: germline.
Comment: This variant is not present in population databases (ExAC no frequency). This variant has not been reported in the literature in individuals with TSC2-related disease. Algorithms developed to predict the effect of missense changes on protein structure and function (SIFT, PolyPhen-2, Align-GVGD) all suggest that this variant is likely to be tolerated, but these predictions have not been confirmed by published functional studies and their clinical significance is uncertain. In summary, the available evidence is currently insufficient to determine the role of this variant in disease. Therefore, it has been classified as a Variant of Uncertain Significance. This sequence change replaces alanine with glutamic acid at codon 1323 of the TSC2 protein (p.Ala1323Glu). The alanine residue is weakly conserved and there is a moderate physicochemical difference between alanine and glutamic acid.

NM_000548.5(TSC2):c.3968C>A (p.Ala1323Glu)

Gene: TSC2 (TSC complex subunit 2; plus strand). Cytogenetic location: 16p13.3.
Variant type: single nucleotide variant.
Coding change: c.3968C>A on transcript NM_000548.5 (MANE Select); coding-DNA position 3968, C replaced by A.
Protein change: p.Ala1323Glu; replaces alanine 1323 with glutamic acid.
Molecular consequence: missense variant.
Genome position (GRCh38, 1-based): chr16:2,083,779, C>A. VCF-style: chr16-2083779-C-A. GRCh37 (hg19) VCF-style: chr16-2133780-C-A.
Other names: c.3767C>A, p.Ala1256Glu (NM_001077183.3); c.3899C>A, p.Ala1300Glu (NM_001114382.3); c.3659C>A, p.Ala1220Glu (NM_001318827.2); c.3623C>A, p.Ala1208Glu (NM_001318829.2); c.3236C>A, p.Ala1079Glu (NM_001318831.2); c.3800C>A, p.Ala1267Glu (NM_001318832.2); c.3770C>A, p.Ala1257Glu (NM_001363528.2); c.3836C>A, p.Ala1279Glu (NM_001370404.1); and 1 more; short protein forms A1079E, A1208E, A1220E, A1257E, A1267E, A1280E, A1300E, A1256E.
Identifiers: ClinVar variation 643999 (VCV000643999.9), dbSNP rs397515062, ClinGen allele CA394297516.